The following is an entry in ClinVar:

NM_001276345.2(TNNT2):c.601-298del

Gene: TNNT2 (troponin T2, cardiac type; minus strand). Cytogenetic location: 1q32.1.
Variant type: Deletion.
Coding change: c.601-298del on transcript NM_001276345.2 (MANE Select); 298 bases into the intron before coding-DNA position 601, one base deleted (T; older notation c.601-298delT).
Molecular consequence: intron variant.
Genome position (GRCh38, 1-based): chr1:201,362,692, A deleted on the plus strand (T on the coding strand, the reverse complement: TNNT2 is on the minus strand). VCF-style (leftmost placement, unchanged base first): chr1-201362691-GA-G. GRCh37 (hg19) VCF-style: chr1-201331819-GA-G.
Other names: c.556-301del (NM_001001432.3); c.570+604del (NM_001001431.3); c.571-298del (NM_001001430.3, NM_001276347.2); c.480+604del (NM_001276346.2); c.600+604del (NM_000364.4).
Identifiers: ClinVar variation 669604 (VCV000669604.1), dbSNP rs140190878, ClinGen allele CA35419372.

ClinVar aggregate classification (germline): Likely benign (1 of 4 stars; one submission).

Allele frequency attached by ClinVar (database versions not stated): 1000 Genomes Project 30x 0.00937; gnomAD 0.01012 and 0.01106; 1000 Genomes Project 0.01038; TOPMed 0.01140.

Submission:

GeneDx
Classification: Likely benign. Last evaluated: 2018-06-14. Review status: criteria provided, single submitter. Criteria: GeneDx Variant Classification (06012015). Collection method: clinical testing. Allele origin: germline. Affected: yes.
Comment: This variant is considered likely benign or benign based on one or more of the following criteria: it is a conservative change, it occurs at a poorly conserved position in the protein, it is predicted to be benign by multiple in silico algorithms, and/or has population frequency not consistent with disease.